The following is an entry in ClinVar:

ClinVar aggregate classification (germline): Pathogenic (1 of 4 stars; one submission).

Conditions:
Pitt-Hopkins syndrome (PTHS). Also called: MENTAL RETARDATION, SYNDROMAL, WITH INTERMITTENT HYPERVENTILATION; ENCEPHALOPATHY, SEVERE EPILEPTIC, WITH AUTONOMIC DYSFUNCTION. Identifiers: Orphanet 2896, MedGen C1970431, MONDO:0012589, OMIM 610954.

Submission:

Molecular Genetics Laboratory, Motol Hospital
Classification: Pathogenic for Pitt-Hopkins syndrome. Last evaluated: 2024-10-14. Review status: criteria provided, single submitter. Criteria: ACMG Guidelines, 2015. Collection method: clinical testing. Allele origin: de novo. Affected: yes. Observed: 1 variant allele.
Comment: The variant was found to be of a de novo origin. De novo missense variations affecting the TCF4 are the common cause of Pitt-Hopkins syndrome (autosomal dominant inheritance). The different missense variant c.1744C>T, p.(Arg582Cys) in the ClinVar database (Variation ID:1003911) is classified as Likely pathogenic. To conclude, the variant c.1745G>C is classified as pathogenic (ACMG PS2, PM1, PM2, PM5, PP2, PP3).

Literature cited by the submitters: PubMed 31081034; PubMed 29222403.

NM_001083962.2(TCF4):c.1745G>C (p.Arg582Pro)

Gene: TCF4 (transcription factor 4; minus strand). Cytogenetic location: 18q21.2.
Variant type: single nucleotide variant.
Coding change: c.1745G>C on transcript NM_001083962.2 (MANE Select); coding-DNA position 1745, G replaced by C.
Protein change: p.Arg582Pro; replaces arginine 582 with proline.
Molecular consequence: missense variant.
Genome position (GRCh38, 1-based): chr18:55,228,981, C>G on the plus strand (G>C on the coding strand, the complement: TCF4 is on the minus strand). VCF-style: chr18-55228981-C-G. GRCh37 (hg19) VCF-style: chr18-52896212-C-G.
Other names: c.1730G>C, p.Arg577Pro (NM_001369573.1, NM_001369574.1); c.1673G>C, p.Arg558Pro (NM_001369575.1, NM_001348217.1, NM_001348218.2 and 1 more transcripts); c.1670G>C, p.Arg557Pro (NM_001369576.1, NM_001369577.1, NM_001369578.1 and 3 more transcripts); c.1661G>C, p.Arg554Pro (NM_001369582.1, NM_001369583.1, NM_001348219.2 and 1 more transcripts); c.1658G>C, p.Arg553Pro (NM_001369584.1, NM_001369585.1, NM_001348220.1); c.1676G>C, p.Arg559Pro (NM_001369586.1); c.1733G>C, p.Arg578Pro (NM_003199.3, NM_001369571.1, NM_001369572.1); c.1745G>C, p.Arg582Pro (NM_001369567.1, NM_001369568.1); and 14 more; short protein forms R366P, R417P, R418P, R422P, R448P, R452P, R507P, R511P.
Identifiers: ClinVar variation 3362902 (VCV003362902.2).